The following is an entry in ClinVar:

NM_014363.6(SACS):c.8831del (p.Leu2944fs)

Gene: SACS (sacsin molecular chaperone; minus strand). Cytogenetic location: 13q12.12.
Variant type: Deletion.
Coding change: c.8831del on transcript NM_014363.6 (MANE Select); coding-DNA position 8831, one base deleted (T; older notation c.8831delT).
Protein change: p.Leu2944fs; shifts the reading frame from leucine 2944.
Molecular consequence: frameshift variant.
Genome position (GRCh38, 1-based): chr13:23,335,045, A deleted on the plus strand (T on the coding strand, the reverse complement: SACS is on the minus strand); the first of 2 consecutive A bases (chr13:23,335,045-23,335,046); deleting either gives the same sequence. VCF-style (leftmost placement, unchanged base first): chr13-23335044-TA-T. GRCh37 (hg19) VCF-style: chr13-23909183-TA-T.
Other names: c.8390del, p.Leu2797fs (NM_001278055.2); c.8858del, p.Leu2953fs (NM_001437336.1); short protein forms L2797fs, L2944fs, L2953fs.
Identifiers: ClinVar variation 5004651 (VCV005004651.1).

ClinVar aggregate classification (germline): Pathogenic (1 of 4 stars; one submission).

Conditions:
Charlevoix-Saguenay spastic ataxia (SACS). Also called: AUTOSOMAL RECESSIVE SPASTIC ATAXIA OF CHARLEVOIX-SAGUENAY; Spastic ataxia of Charlevoix-Saguenay; SPASTIC ATAXIA 6, AUTOSOMAL RECESSIVE. Identifiers: Orphanet 98, MedGen C1849140, MONDO:0010041, OMIM 270550.

Submission:

Myriad Genetics, Inc.
Classification: Pathogenic for Charlevoix-Saguenay spastic ataxia. Last evaluated: 2026-05-08. Review status: criteria provided, single submitter. Criteria: Myriad Autosomal Dominant, Autosomal Recessive and X-Linked Classification Criteria (2023). Collection method: clinical testing. Allele origin: unknown.
Comment: NM_014363.4(SACS):c.8831delT(L2944Yfs*9) is a frameshift variant classified as pathogenic in the context of autosomal recessive spastic ataxia of Charlevoix-Saguenay. L2944Yfs*9 has not been observed in cases with relevant disease. Relevant functional assessments of this variant are not available in the literature. L2944Yfs*9 has not been observed in referenced population frequency databases. In summary, NM_014363.4(SACS):c.8831delT(L2944Yfs*9) is a frameshift variant in a gene where loss of function is a known mechanism of disease and is predicted to disrupt protein function. Please note: this variant was assessed in the context of healthy population screening.